The following is an entry in ClinVar:

ClinVar aggregate classification (germline): Uncertain significance (1 of 4 stars; one submission).

Conditions:
Hereditary cancer-predisposing syndrome. Also called: Neoplastic Syndromes, Hereditary; Tumor predisposition; Hereditary neoplastic syndrome; Hereditary Cancer Syndrome. Identifiers: Orphanet 140162, MedGen C0027672, MeSH D009386, MONDO:0015356.

Submission:

Ambry Genetics
Classification: Uncertain significance for Hereditary cancer-predisposing syndrome. Last evaluated: 2026-07-27. Review status: criteria provided, single submitter. Criteria: Ambry Variant Classification Scheme 2023. Collection method: clinical testing. Allele origin: germline.
Comment: The p.R206G variant (also known as c.616C>G), located in coding exon 2 of the MEN1 gene, results from a C to G substitution at nucleotide position 616. The arginine at codon 206 is replaced by glycine, an amino acid with dissimilar properties. This amino acid position is conserved. In addition, this alteration is predicted to be deleterious by in silico analysis. Based on the available evidence, the clinical significance of this variant remains unclear.

NM_001370259.2(MEN1):c.616C>G (p.Arg206Gly)

Gene: MEN1 (menin 1; minus strand). Cytogenetic location: 11q13.1.
Variant type: single nucleotide variant.
Coding change: c.616C>G on transcript NM_001370259.2 (MANE Select); coding-DNA position 616, C replaced by G.
Protein change: p.Arg206Gly; replaces arginine 206 with glycine.
Molecular consequence: missense variant. On other transcripts: non-coding transcript variant (4), intron variant (5).
Genome position (GRCh38, 1-based): chr11:64,807,929, G>C on the plus strand (C>G on the coding strand, the complement: MEN1 is on the minus strand). VCF-style: chr11-64807929-G-C. GRCh37 (hg19) VCF-style: chr11-64575401-G-C.
Other names: c.631C>G, p.Arg211Gly (NM_000244.4, NM_001407145.1, NM_001407150.1 and 5 more transcripts); c.616C>G, p.Arg206Gly (NM_001370251.2, NM_001370260.2, NM_001370261.2 and 7 more transcripts); c.549+67C>G (NM_001407148.1, NM_001407149.1, NM_001407151.1 and 2 more transcripts); short protein forms R206G, R211G.
Identifiers: ClinVar variation 5024295 (VCV005024295.1).
Genomic context (GRCh38, chr11:64,807,929, plus strand): 5'-GGCTGGGGGGAGGGAACAATACCCGCTCAGCCACACCGGCATTGACTGTCTGGCCCCTGC[G>C]GTCCTCGTTGCCCTTGCCGTGCCAGGTGACCTCAGCTGTCTGCTCCCCATTGGGCCCAAA-3'
Protein context (NP_001357188.2, residues 196-216): VTWHGKGNED[Arg206Gly]RGQTVNAGVA